The following is an entry in ClinVar:

ClinVar aggregate classification (germline): Pathogenic (1 of 4 stars; one submission).

Conditions:
Myopathy, proximal, and ophthalmoplegia (CMYO6). Also called: INCLUSION BODY MYOPATHY 3, AUTOSOMAL DOMINANT; MYOPATHY WITH CONGENITAL JOINT CONTRACTURES, OPHTHALMOPLEGIA, AND RIMMED VACUOLES; CONGENITAL MYOPATHY 6 WITH OPHTHALMOPLEGIA. Identifiers: Orphanet 363677, Orphanet 79091, MedGen C1854106, MONDO:0011577, OMIM 605637.

Submission:

Illumina Laboratory Services, Illumina
Classification: Pathogenic for Myopathy, proximal, and ophthalmoplegia. Last evaluated: 2021-03-09. Review status: criteria provided, single submitter. Criteria: ICSLVariantClassificationCriteria RUGD 01 April 2020. Collection method: clinical testing. Allele origin: unknown.
Comment: The MYH2 c.1925delG (p.Gly642ValfsTer20) variant results in a frameshift and is predicted to result in premature termination or absence of the protein. A literature search was performed for the gene, cDNA change and amino acid change. No publications were found based on this search. This variant is not found in the Genome Aggregation Database in a region of good sequencing coverage, so the variant is presumed to be rare. Based on the predicted truncating nature of the variant, its rarity, and identification in a homozygous state, the p.Gly642ValfsTer20 variant is classified as pathogenic for proximal myopathy and ophthalmoplegia.

NM_017534.6(MYH2):c.1925del (p.Gly642fs)

Genes: MYHAS (myosin heavy chain gene cluster antisense RNA; plus strand), MYH2 (myosin heavy chain 2; minus strand). Cytogenetic location: 17p13.1.
Variant type: Deletion.
Coding change: c.1925del on transcript NM_017534.6 (MANE Select); coding-DNA position 1925, one base deleted (G; older notation c.1925delG).
Protein change: p.Gly642fs; shifts the reading frame from glycine 642.
Molecular consequence: frameshift variant.
Genome position (GRCh38, 1-based): chr17:10,536,579, C deleted on the plus strand (G on the coding strand, the reverse complement: MYH2 is on the minus strand); the first of 2 consecutive C bases (chr17:10,536,579-10,536,580); deleting either gives the same sequence. VCF-style (leftmost placement, unchanged base first): chr17-10536578-AC-A. GRCh37 (hg19) VCF-style: chr17-10439895-AC-A.
Other names: c.1925del, p.Gly642fs (NM_001100112.2); short protein forms G642fs.
Identifiers: ClinVar variation 1199204 (VCV001199204.4), dbSNP rs2142309612, ClinGen allele CA2499223896.
Genomic context (GRCh38, chr17:10,536,578, plus strand): 5'-TTTCTTCCTTACTCTGAAAAGGGCAGACACTGTCTGGAAAGAAGAGCCCTTCTTCTTACC[AC>A]CTTTCTTGGCCCCTCCACCAGCTCCCTCTGAAGAAAAAGGAAGAAAAGAAATACTGTTTT-3'